The following is an entry in ClinVar:

NM_004380.3(CREBBP):c.2955C>T (p.Ser985=)

Gene: CREBBP (CREB binding lysine acetyltransferase; minus strand). Cytogenetic location: 16p13.3.
Variant type: single nucleotide variant.
Coding change: c.2955C>T on transcript NM_004380.3 (MANE Select); coding-DNA position 2955, C replaced by T.
Protein change: p.Ser985=; no amino-acid change (serine 985 retained).
Molecular consequence: synonymous variant.
Genome position (GRCh38, 1-based): chr16:3,769,279, G>A on the plus strand (C>T on the coding strand, the complement: CREBBP is on the minus strand). VCF-style: chr16-3769279-G-A. GRCh37 (hg19) VCF-style: chr16-3819280-G-A.
Other names: c.2841C>T, p.Ser947= (NM_001079846.1).
Identifiers: ClinVar variation 4535157 (VCV004535157.6).

ClinVar aggregate classification (germline): Likely benign (1 of 4 stars; one submission).

gnomAD v4.1: 1 of 1,614,124 alleles (0.000062%); highest among the groups gnomAD compares: South Asian, 0.0011%; no homozygotes.

Submission:

CeGaT Center for Human Genetics Tuebingen
Classification: Likely benign. Last evaluated: 2025-11-01. Review status: criteria provided, single submitter. Criteria: CeGaT Center For Human Genetics Tuebingen Variant Classification Criteria Version 2. Collection method: clinical testing. Allele origin: germline. Affected: yes. Observed: 1 variant allele.
Comment: CREBBP: BP4, BP7